The following is an entry in ClinVar:

ClinVar aggregate classification (germline): Uncertain significance (1 of 4 stars; one submission).

Conditions:
Syndromic multisystem autoimmune disease due to ITCH deficiency. Also called: AUTOIMMUNE DISEASE, MULTISYSTEM, WITH FACIAL DYSMORPHISM. Identifiers: Orphanet 228426, MedGen C3150649, MONDO:0013245, OMIM 613385.

Allele frequency attached by ClinVar (database versions not stated): TOPMed below 0.00001; gnomAD 0.00001; gnomAD exomes 0.00001; ExAC 0.00002.
gnomAD v4.1: 8 of 1,613,604 alleles (0.0005%); highest among the groups gnomAD compares: South Asian, 0.0022%; no homozygotes.

Submission:

Labcorp Genetics (formerly Invitae), Labcorp
Classification: Uncertain significance for Syndromic multisystem autoimmune disease due to ITCH deficiency. Last evaluated: 2021-12-22. Review status: criteria provided, single submitter. Criteria: Invitae Variant Classification Sherloc (09022015). Collection method: clinical testing. Allele origin: germline.
Comment: This variant is present in population databases (rs774383028, gnomAD 0.0009%). In summary, the available evidence is currently insufficient to determine the role of this variant in disease. Therefore, it has been classified as a Variant of Uncertain Significance. Algorithms developed to predict the effect of missense changes on protein structure and function are either unavailable or do not agree on the potential impact of this missense change (SIFT: "Not Available"; PolyPhen-2: "Probably Damaging"; Align-GVGD: "Not Available"). This variant has not been reported in the literature in individuals affected with ITCH-related conditions. This sequence change replaces arginine, which is basic and polar, with histidine, which is basic and polar, at codon 535 of the ITCH protein (p.Arg535His).

NM_031483.7(ITCH):c.1604G>A (p.Arg535His)

Gene: ITCH (itchy E3 ubiquitin protein ligase; plus strand). Cytogenetic location: 20q11.22.
Variant type: single nucleotide variant.
Coding change: c.1604G>A on transcript NM_031483.7 (MANE Select); coding-DNA position 1604, G replaced by A.
Protein change: p.Arg535His; replaces arginine 535 with histidine.
Molecular consequence: missense variant.
Genome position (GRCh38, 1-based): chr20:34,477,806, G>A. VCF-style: chr20-34477806-G-A. GRCh37 (hg19) VCF-style: chr20-33065611-G-A.
Other names: c.1727G>A, p.Arg576His (NM_001257137.3, NM_001324197.2); c.1274G>A, p.Arg425His (NM_001257138.3); c.1604G>A, p.Arg535His (NM_001324198.2); short protein forms R425H, R535H, R576H.
Identifiers: ClinVar variation 1907629 (VCV001907629.5), dbSNP rs774383028, ClinGen allele CA9821772.